The following is an entry in ClinVar:

NM_015151.4(DIP2A):c.3778G>T (p.Ala1260Ser)

Gene: DIP2A (disco interacting protein 2 homolog A; plus strand). Cytogenetic location: 21q22.3.
Variant type: single nucleotide variant.
Coding change: c.3778G>T on transcript NM_015151.4 (MANE Select); coding-DNA position 3778, G replaced by T.
Protein change: p.Ala1260Ser; replaces alanine 1260 with serine.
Molecular consequence: missense variant.
Genome position (GRCh38, 1-based): chr21:46,557,733, G>T. VCF-style: chr21-46557733-G-T. GRCh37 (hg19) VCF-style: chr21-47977646-G-T.
Other names: c.3766G>T, p.Ala1256Ser (NM_001146116.2); c.3781G>T, p.Ala1261Ser (NM_001353942.2); c.3778G>T, p.Ala1260Ser (NM_001353943.2, NM_001410751.1); short protein forms A1256S, A1260S, A1261S.
Identifiers: ClinVar variation 3036889 (VCV003036889.2), dbSNP rs368502145, ClinGen allele CA410587810.

ClinVar aggregate classification (germline): Uncertain significance (0 of 4 stars; one submission).

Conditions:
DIP2A-related disorder. Also called: DIP2A-related condition.

gnomAD v4.1: 1 of 1,610,976 alleles (0.000062%); highest among the groups gnomAD compares: Non-Finnish European, 0.000085%; no homozygotes.

Submission:

PreventionGenetics, part of Exact Sciences
Classification: Uncertain significance for DIP2A-related condition. Last evaluated: 2023-11-22. Review status: no assertion criteria provided. Collection method: clinical testing. Allele origin: germline.
Comment: The DIP2A c.3778G>T variant is predicted to result in the amino acid substitution p.Ala1260Ser. To our knowledge, this variant has not been reported in the literature or in a large population database, indicating this variant is rare. At this time, the clinical significance of this variant is uncertain due to the absence of conclusive functional and genetic evidence.